The following is an entry in ClinVar:

ClinVar aggregate classification (germline): Uncertain significance (1 of 4 stars; one submission).

Conditions:
Duchenne muscular dystrophy (DMD). Also called: Duchenne Muscular Dystrophy (DMD); MUSCULAR DYSTROPHY, PSEUDOHYPERTROPHIC PROGRESSIVE, DUCHENNE TYPE. Identifiers: Orphanet 98896, MedGen C0013264, MONDO:0010679, OMIM 310200.

gnomAD v4.1: 1 of 1,208,639 alleles (0.000083%); highest among the groups gnomAD compares: Admixed American, 0.0022%; no homozygotes.

Submission:

Labcorp Genetics (formerly Invitae), Labcorp
Classification: Uncertain significance for Duchenne muscular dystrophy. Last evaluated: 2024-08-29. Review status: criteria provided, single submitter. Criteria: Invitae Variant Classification Sherloc (09022015). Collection method: clinical testing. Allele origin: germline.
Comment: This sequence change replaces lysine, which is basic and polar, with glutamic acid, which is acidic and polar, at codon 1871 of the DMD protein (p.Lys1871Glu). This variant is present in population databases (no rsID available, gnomAD 0.004%). This variant has not been reported in the literature in individuals affected with DMD-related conditions. Invitae Evidence Modeling of protein sequence and biophysical properties (such as structural, functional, and spatial information, amino acid conservation, physicochemical variation, residue mobility, and thermodynamic stability) indicates that this missense variant is not expected to disrupt DMD protein function with a negative predictive value of 95%. In summary, the available evidence is currently insufficient to determine the role of this variant in disease. Therefore, it has been classified as a Variant of Uncertain Significance.

NM_004006.3(DMD):c.5611A>G (p.Lys1871Glu)

Gene: DMD (dystrophin; minus strand). Cytogenetic location: Xp21.1.
Variant type: single nucleotide variant.
Coding change: c.5611A>G on transcript NM_004006.3 (MANE Select); coding-DNA position 5611, A replaced by G.
Protein change: p.Lys1871Glu; replaces lysine 1871 with glutamic acid.
Molecular consequence: missense variant.
Genome position (GRCh38, 1-based): chrX:32,343,262, T>C on the plus strand (A>G on the coding strand, the complement: DMD is on the minus strand). VCF-style: chrX-32343262-T-C. GRCh37 (hg19) VCF-style: chrX-32361379-T-C.
Other names: c.5587A>G, p.Lys1863Glu (NM_000109.4); c.5599A>G, p.Lys1867Glu (NM_004009.3); c.5242A>G, p.Lys1748Glu (NM_004010.3); c.1588A>G, p.Lys530Glu (NM_004011.4); c.1579A>G, p.Lys527Glu (NM_004012.4); short protein forms K1748E, K1867E, K530E, K1871E, K1863E, K527E.
Identifiers: ClinVar variation 3717576 (VCV003717576.1).